The following continues an entry in ClinVar:

NM_001130987.2(DYSF):c.6241C>T (p.Arg2081Cys)

Gene: DYSF. ClinVar aggregate classification (germline): Pathogenic. Pathogenic (1).

Submissions 11 to 18 of 18:

Athena Diagnostics
Classification: Pathogenic. Last evaluated: 2023-08-25. Review status: criteria provided, single submitter. Criteria: Athena Diagnostics Criteria. Collection method: clinical testing. Allele origin: unknown. Not counted in ClinVar's aggregate classification.
Comment: The frequency of this variant in the general population is consistent with pathogenicity. This variant has been identified in multiple unrelated individuals with clinical features associated with this gene. Assessment of experimental evidence suggests this variant results in abnormal protein function. (PMID: 27641898)

MGZ Medical Genetics Center
Classification: Pathogenic for Autosomal recessive limb-girdle muscular dystrophy type 2B. Last evaluated: 2022-06-02. Review status: criteria provided, single submitter. Criteria: ACMG Guidelines, 2015. Collection method: clinical testing. Allele origin: germline. Affected: yes. Observed: 1 variant allele. Not counted in ClinVar's aggregate classification.
Comment: ACMG criteria applied: PS3, PS4, PM3, PM2_SUP, PP3

Kariminejad - Najmabadi Pathology & Genetics Center
Classification: Pathogenic for Abnormality of the musculature. Last evaluated: 2021-07-10. Review status: criteria provided, single submitter. Criteria: ACMG Guidelines, 2015. Collection method: clinical testing. Allele origin: germline. Affected: yes. Not counted in ClinVar's aggregate classification.

Equipe Genetique des Anomalies du Developpement, Université de Bourgogne
Classification: Likely pathogenic for Autosomal recessive limb-girdle muscular dystrophy type 2B. Last evaluated: 2017-11-07. Review status: criteria provided, single submitter. Criteria: ACMG Guidelines, 2015. Collection method: clinical testing. Allele origin: unknown. Affected: yes. Study: Clinvar_gadteam_Clinical_exome_analysis_3. Not counted in ClinVar's aggregate classification.

Eurofins Ntd Llc (ga)
Classification: Pathogenic. Last evaluated: 2015-08-04. Review status: criteria provided, single submitter. Criteria: EGL Classification Definitions 2015. Collection method: clinical testing. Allele origin: germline. Observed: 3 variant alleles, 2 heterozygotes. Not counted in ClinVar's aggregate classification.

Counsyl
Classification: Likely pathogenic for Autosomal recessive limb-girdle muscular dystrophy type 2B. Last evaluated: 2017-02-08. Review status: no assertion criteria provided. Collection method: clinical testing. Allele origin: unknown. Not counted in ClinVar's aggregate classification.

OMIM
Classification: Pathogenic for MIYOSHI MUSCULAR DYSTROPHY 1. Last evaluated: 1998-09-01. Review status: no assertion criteria provided. Collection method: literature only. Allele origin: germline. Not counted in ClinVar's aggregate classification.

OMIM
Classification: Pathogenic for MUSCULAR DYSTROPHY, LIMB-GIRDLE, AUTOSOMAL RECESSIVE 2. Last evaluated: 1998-09-01. Review status: no assertion criteria provided. Collection method: literature only. Allele origin: germline. Not counted in ClinVar's aggregate classification.

Literature cited by the submitters: PubMed 16100712 (cited by 3 submitters); PubMed 17698709 (cited by 3 submitters); PubMed 22194990 (cited by 3 submitters); PubMed 25574751 (cited by Labcorp Genetics (formerly Invitae), Labcorp and Athena Diagnostics); PubMed 27666772 (cited by 3 submitters); PubMed 27641898 (cited by 4 submitters); PubMed 9731526 (cited by 3 submitters); PubMed 33715265 (cited by Natera, Inc.); PubMed 17994539 (cited by Natera, Inc.); PubMed 16996541 (cited by Athena Diagnostics); PubMed 18853459 (cited by Athena Diagnostics and Counsyl); PubMed 18832576 (cited by Athena Diagnostics); PubMed 17070050 (cited by Athena Diagnostics); PubMed 16934466 (cited by Athena Diagnostics); PubMed 11468312 (cited by Athena Diagnostics and Counsyl); PubMed 27602406 (cited by Athena Diagnostics and Counsyl); PubMed 21522182 (cited by Counsyl).